The following is an entry in ClinVar:

ClinVar aggregate classification (germline): Uncertain significance (1 of 4 stars; one submission).

Conditions:
Emery-Dreifuss muscular dystrophy (EDMD). Also called: Scapuloperoneal syndrome, X-linked (formerly); Humeroperoneal neuromuscular disease, (formerly). Identifiers: Orphanet 261, MedGen C0410189, MONDO:0016830.

gnomAD v4.1: 17 of 1,613,782 alleles (0.0011%); highest among the groups gnomAD compares: African/African-American, 0.004%; no homozygotes.

Submission:

Labcorp Genetics (formerly Invitae), Labcorp
Classification: Uncertain significance for Emery-Dreifuss muscular dystrophy. Last evaluated: 2024-04-09. Review status: criteria provided, single submitter. Criteria: Invitae Variant Classification Sherloc (09022015). Collection method: clinical testing. Allele origin: germline.
Comment: This sequence change replaces threonine, which is neutral and polar, with methionine, which is neutral and non-polar, at codon 699 of the SUN1 protein (p.Thr699Met). This variant is present in population databases (rs542993409, gnomAD 0.01%). This variant has not been reported in the literature in individuals affected with SUN1-related conditions. An algorithm developed to predict the effect of missense changes on protein structure and function (PolyPhen-2) suggests that this variant is likely to be disruptive. In summary, the available evidence is currently insufficient to determine the role of this variant in disease. Therefore, it has been classified as a Variant of Uncertain Significance.

NM_001130965.3(SUN1):c.2096C>T (p.Thr699Met)

Gene: SUN1 (Sad1 and UNC84 domain containing 1; plus strand). Cytogenetic location: 7p22.3.
Variant type: single nucleotide variant.
Coding change: c.2096C>T on transcript NM_001130965.3 (MANE Select); coding-DNA position 2096, C replaced by T.
Protein change: p.Thr699Met; replaces threonine 699 with methionine.
Molecular consequence: missense variant. On other transcripts: non-coding transcript variant (3).
Genome position (GRCh38, 1-based): chr7:869,464, C>T. VCF-style: chr7-869464-C-T. GRCh37 (hg19) VCF-style: chr7-909101-C-T.
Other names: c.2138C>T, p.Thr713Met (NM_001367647.1, NM_001367668.1); c.1958C>T, p.Thr653Met (NM_001367648.1); c.2141C>T, p.Thr714Met (NM_001367649.1); c.2510C>T, p.Thr837Met (NM_001367651.1); c.2096C>T, p.Thr699Met (NM_001367653.1, NM_001367633.1, NM_001367634.1); c.2306C>T, p.Thr769Met (NM_001367655.1, NM_001367700.1); c.1382C>T, p.Thr461Met (NM_001367658.1); c.1913C>T, p.Thr638Met (NM_001367660.1); and 43 more; short protein forms T461M, T582M, T653M, T666M, T694M, T703M, T713M, T725M.
Identifiers: ClinVar variation 3695201 (VCV003695201.2).